The following is an entry in ClinVar:

NM_001754.5(RUNX1):c.1272G>A (p.Ser424=)

Gene: RUNX1 (RUNX family transcription factor 1; minus strand). Cytogenetic location: 21q22.12.
Variant type: single nucleotide variant.
Coding change: c.1272G>A on transcript NM_001754.5 (MANE Select); coding-DNA position 1272, G replaced by A.
Protein change: p.Ser424=; no amino-acid change (serine 424 retained).
Molecular consequence: synonymous variant.
Genome position (GRCh38, 1-based): chr21:34,792,306, C>T on the plus strand (G>A on the coding strand, the complement: RUNX1 is on the minus strand). VCF-style: chr21-34792306-C-T. GRCh37 (hg19) VCF-style: chr21-36164603-C-T.
Other names: NM_001754.5(RUNX1):c.1272G>A; p.Ser424=; c.1191G>A, p.Ser397= (NM_001001890.3).
Identifiers: ClinVar variation 1318841 (VCV001318841.8), dbSNP rs1459260782, ClinGen allele CA512341149.
Genomic context (GRCh38, chr21:34,792,306, plus strand): 5'-GGGGTTGAGCAGCGCGGAGCCGGTGGAGGCGTTGGTGCAGGGCGGCAGGATGCGCGGCGG[C>T]GAGCGCTCGCCGCCCACCATGGAGAACTGGTAGGAGCCGGCCGAGGCGCCGTAGTACAGG-3'
Protein context (NP_001745.2, residues 414-434): YQFSMVGGER[Ser424=]PPRILPPCTN

ClinVar aggregate classification (germline): Likely benign. Review status: reviewed by expert panel (3 of 4 stars). 4 submissions from 4 submitters: Likely benign (1). 3 of the submissions do not count toward it. Last evaluated 2024-09-10.

Conditions:
Hereditary thrombocytopenia and hematologic cancer predisposition syndrome. Identifiers: Orphanet 71290, MedGen CN281654, MONDO:0011071.
Hereditary thrombocytopenia and hematological cancer predisposition syndrome associated with RUNX1. Also called: PLATELET DISORDER, ASPIRIN-LIKE; RUNX1 Familial Platelet Disorder with Associated Myeloid Malignancies; Familial Platelet Disorder with Propensity to Acute Myelogenous Leukemia; Familial thrombocytopenia with propensity to acute myelogenous leukemia. Identifiers: Orphanet 71290, MedGen C1832388, MeSH C563324, MONDO:0100083, OMIM 601399.
Inborn genetic diseases. Identifiers: MedGen C0950123, MeSH D030342.

Allele frequency attached by ClinVar (database versions not stated): gnomAD exomes below 0.00001; gnomAD 0.00001.
gnomAD v4.1: 3 of 1,382,950 alleles (0.00022%); highest among the groups gnomAD compares: Middle Eastern, 0.019%; no homozygotes.

Submissions (4):

ClinGen Myeloid Malignancy Variant Curation Expert Panel
Classification: Likely benign for Hereditary thrombocytopenia and hematologic cancer predisposition syndrome. Last evaluated: 2024-09-10. Review status: reviewed by expert panel. Criteria: ClinGen MyeloMalig ACMG Specifications v2. Collection method: curation. Allele origin: germline. Inheritance: Autosomal dominant inheritance.
Comment: NM_001754.5(RUNX1):c.1272G>A (p.Ser424=) is a synonymous variant which has a SpliceAI score ≤ 0.20 (0.0) (BP4). This variant has a SpliceAI score ≤ 0.20 (0.0) and evolutionary conservation algorithms predict the site as not being conserved (PhyloP score ≤ 2.0 (-2.00)) (BP7). In summary, this variant meets criteria to be classified as likely benign. ACMG/AMP criteria applied, as specified by the Myeloid Malignancy Variant Curation Expert Panel for RUNX1: BP4, BP7.

Ambry Genetics
Classification: Likely benign for Inborn genetic diseases. Last evaluated: 2025-06-06. Review status: criteria provided, single submitter. Criteria: Ambry Variant Classification Scheme 2023. Collection method: clinical testing. Allele origin: germline. Not counted in ClinVar's aggregate classification.

Labcorp Genetics (formerly Invitae), Labcorp
Classification: Likely benign for Hereditary thrombocytopenia and hematological cancer predisposition syndrome associated with RUNX1. Last evaluated: 2025-02-23. Review status: criteria provided, single submitter. Criteria: Invitae Variant Classification Sherloc (09022015). Collection method: clinical testing. Allele origin: germline. Not counted in ClinVar's aggregate classification.

GeneDx
Classification: Uncertain significance. Last evaluated: 2020-06-22. Review status: criteria provided, single submitter. Criteria: GeneDx Variant Classification Process June 2021. Collection method: clinical testing. Allele origin: germline. Affected: yes. Not counted in ClinVar's aggregate classification.
Comment: Not observed in large population cohorts (Lek 2016); In silico analysis supports that this variant does not alter splicing; Nucleotide substitution has no predicted effect on splicing and is not conserved across species; Has not been previously published as pathogenic or benign to our knowledge